The following is an entry in ClinVar:

ClinVar aggregate classification (germline): Uncertain significance (1 of 4 stars; one submission).

gnomAD v4.1: 11 of 1,614,096 alleles (0.00068%); highest among the groups gnomAD compares: Non-Finnish European, 0.00093%; no homozygotes.

Submission:

Ambry Genetics
Classification: Uncertain significance. Last evaluated: 2025-07-05. Review status: criteria provided, single submitter. Criteria: Ambry Variant Classification Scheme 2023. Collection method: clinical testing. Allele origin: germline.
Comment: The p.T505I variant (also known as c.1514C>T), located in coding exon 1 of the TET2 gene, results from a C to T substitution at nucleotide position 1514. The threonine at codon 505 is replaced by isoleucine, an amino acid with similar properties. This amino acid position is conserved. In addition, this alteration is predicted to be tolerated by in silico analysis. Based on the available evidence, the clinical significance of this variant remains unclear.

NM_001127208.3(TET2):c.1514C>T (p.Thr505Ile)

Genes: TET2 (tet methylcytosine dioxygenase 2; plus strand), TET2-AS1 (TET2 antisense RNA 1; minus strand). Cytogenetic location: 4q24.
Variant type: single nucleotide variant.
Coding change: c.1514C>T on transcript NM_001127208.3 (MANE Select); coding-DNA position 1514, C replaced by T.
Protein change: p.Thr505Ile; replaces threonine 505 with isoleucine.
Molecular consequence: missense variant.
Genome position (GRCh38, 1-based): chr4:105,235,456, C>T. VCF-style: chr4-105235456-C-T. GRCh37 (hg19) VCF-style: chr4-106156613-C-T.
Other names: c.1514C>T, p.Thr505Ile (NM_017628.4); short protein forms T505I.
Identifiers: ClinVar variation 4182948 (VCV004182948.1).